The following is an entry in ClinVar:

NM_003742.4(ABCB11):c.3149G>A (p.Arg1050His)

Gene: ABCB11 (ATP binding cassette subfamily B member 11; minus strand). Cytogenetic location: 2q31.1.
Variant type: single nucleotide variant.
Coding change: c.3149G>A on transcript NM_003742.4 (MANE Select); coding-DNA position 3149, G replaced by A.
Protein change: p.Arg1050His; replaces arginine 1050 with histidine.
Molecular consequence: missense variant.
Genome position (GRCh38, 1-based): chr2:168,932,441, C>T on the plus strand (G>A on the coding strand, the complement: ABCB11 is on the minus strand). VCF-style: chr2-168932441-C-T. GRCh37 (hg19) VCF-style: chr2-169788951-C-T.
Other names: short protein forms R1050H.
Identifiers: ClinVar variation 3339829 (VCV003339829.2).
Genomic context (GRCh38, chr2:168,932,441, plus strand): 5'-TTTTCACCTGCAGTATTGTATACACTGATTGGGGGTTGTCGGTCCAGCAGTTGAAAAAAG[C>T]GTGCAGCTGATATTTTAGCTTTTGCATAACTTGGGGTGTAAGAGAAGGCTCTTCCAAGAG-3'
Protein context (NP_003733.2, residues 1040-1060): SYAKAKISAA[Arg1050His]FFQLLDRQPP

ClinVar aggregate classification (germline): Uncertain significance. Review status: criteria provided, multiple submitters, no conflicts (2 of 4 stars). 2 submissions from 2 submitters: Uncertain significance (2). Last evaluated 2026-04-14.

Conditions:
Familial intrahepatic cholestasis. Identifiers: Orphanet 284385, MedGen CN296401, MONDO:0017290.

gnomAD v4.1: 7 of 1,608,466 alleles (0.00044%); highest among the groups gnomAD compares: South Asian, 0.0022%; no homozygotes.

Submissions (2):

Genomenon, Inc
Classification: Uncertain significance for Familial intrahepatic cholestasis. Last evaluated: 2026-04-14. Review status: criteria provided, single submitter. Criteria: Genomenon Sequence Variant Interpretation Standards - Updated. Collection method: curation. Allele origin: germline. Affected: yes.
Comment: ABCB11 p.Arg1050His (c.3149G>A) is a missense variant that changes the amino acid at residue 1050 from Arginine to Histidine. This variant has been observed in at least one proband with an ABCB11-related disorder (PMID:39143102;37208429). It is absent or not present at a significant frequency in gnomAD. In conclusion, we classify ABCB11 p.Arg1050His (c.3149G>A) as a variant of uncertain significance.

Women's Health and Genetics/Laboratory Corporation of America, LabCorp
Classification: Uncertain significance. Last evaluated: 2024-06-28. Review status: criteria provided, single submitter. Criteria: LabCorp Variant Classification Summary - May 2015. Collection method: clinical testing. Allele origin: germline.
Comment: Variant summary: ABCB11 c.3149G>A (p.Arg1050His) results in a non-conservative amino acid change in the encoded protein sequence. Four of five in-silico tools predict a damaging effect of the variant on protein function. The variant allele was found at a frequency of 4.2e-06 in 240284 control chromosomes (gnomAD). The available data on variant occurrences in the general population are insufficient to allow any conclusion about variant significance. c.3149G>A has been reported in the literature in individuals affected with Intrahepatic cholestasis of pregnancy or liver disease without evidence of causality (Nayagam_2022, Zollner_2023). These reports do not provide unequivocal conclusions about association of the variant with Familial Intrahepatic Cholestasis. To our knowledge, no experimental evidence demonstrating an impact on protein function has been reported. The following publications have been ascertained in the context of this evaluation (PMID: 35894240, 37208429). No submitters have cited clinical-significance assessments for this variant to ClinVar. Based on the evidence outlined above, the variant was classified as uncertain significance.

Literature cited by the submitters: PubMed 39143102 (cited by Genomenon, Inc); PubMed 37208429 (cited by Genomenon, Inc and Women's Health and Genetics/Laboratory Corporation of America, LabCorp); PubMed 35894240 (cited by Women's Health and Genetics/Laboratory Corporation of America, LabCorp).